The following is an entry in ClinVar:

NM_002485.5(NBN):c.217A>T (p.Lys73Ter)

Gene: NBN (nibrin; minus strand). Cytogenetic location: 8q21.3.
Variant type: single nucleotide variant.
Coding change: c.217A>T on transcript NM_002485.5 (MANE Select); coding-DNA position 217, A replaced by T.
Protein change: p.Lys73Ter; replaces lysine 73 with a stop codon.
Molecular consequence: nonsense. On other transcripts: 5 prime UTR variant (1).
Genome position (GRCh38, 1-based): chr8:89,981,478, T>A on the plus strand (A>T on the coding strand, the complement: NBN is on the minus strand). VCF-style: chr8-89981478-T-A. GRCh37 (hg19) VCF-style: chr8-90993706-T-A.
Other names: c.-30A>T (NM_001024688.3); short protein forms K73*.
Identifiers: ClinVar variation 1171345 (VCV001171345.8), dbSNP rs2129915767, ClinGen allele CA371662549.

ClinVar aggregate classification (germline): Pathogenic/Likely pathogenic. Review status: criteria provided, multiple submitters, no conflicts (2 of 4 stars). 2 submissions from 2 submitters: Pathogenic (1); Likely pathogenic (1). Last evaluated 2023-06-01.

Conditions:
Aplastic anemia. Identifiers: Orphanet 182040, Orphanet 88, MedGen C0002874, MONDO:0015909, OMIM 609135, HP:0001915.
Microcephaly, normal intelligence and immunodeficiency (NBS). Also called: Ataxia telangiectasia variant V1; IMMUNODEFICIENCY, MICROCEPHALY, AND CHROMOSOMAL INSTABILITY; Immunodeficiency, microcephaly with normal intelligence; BERLIN BREAKAGE SYNDROME; SEEMANOVA SYNDROME II; Nijmegen breakage syndrome. Identifiers: Orphanet 647, MedGen C0398791, MONDO:0009623, OMIM 251260.

Submissions (2):

Baylor Genetics
Classification: Likely pathogenic for Aplastic anemia. Last evaluated: 2023-06-01. Review status: criteria provided, single submitter. Criteria: ACMG Guidelines, 2015. Collection method: clinical testing. Allele origin: unknown.

Labcorp Genetics (formerly Invitae), Labcorp
Classification: Pathogenic for Microcephaly, normal intelligence and immunodeficiency. Last evaluated: 2023-04-28. Review status: criteria provided, single submitter. Criteria: Invitae Variant Classification Sherloc (09022015). Collection method: clinical testing. Allele origin: germline.
Comment: ClinVar contains an entry for this variant (Variation ID: 1171345). This variant has not been reported in the literature in individuals affected with NBN-related conditions. This variant is not present in population databases (gnomAD no frequency). This sequence change creates a premature translational stop signal (p.Lys73*) in the NBN gene. It is expected to result in an absent or disrupted protein product. Loss-of-function variants in NBN are known to be pathogenic (PMID: 9590180, 16415040). For these reasons, this variant has been classified as Pathogenic.

Literature cited by the submitters: PubMed 9590180 (cited by Labcorp Genetics (formerly Invitae), Labcorp); PubMed 16415040 (cited by Labcorp Genetics (formerly Invitae), Labcorp).